The following is an entry in ClinVar:

NM_001190274.2(FBXO11):c.536C>T (p.Ala179Val)

Gene: FBXO11 (F-box protein 11; minus strand). Cytogenetic location: 2p16.3.
Variant type: single nucleotide variant.
Coding change: c.536C>T on transcript NM_001190274.2 (MANE Select); coding-DNA position 536, C replaced by T.
Protein change: p.Ala179Val; replaces alanine 179 with valine.
Molecular consequence: missense variant.
Genome position (GRCh38, 1-based): chr2:47,838,910, G>A on the plus strand (C>T on the coding strand, the complement: FBXO11 is on the minus strand). VCF-style: chr2-47838910-G-A. GRCh37 (hg19) VCF-style: chr2-48066049-G-A.
Other names: c.284C>T, p.Ala95Val (NM_001374325.1, NM_025133.4); short protein forms A179V, A95V.
Identifiers: ClinVar variation 3624432 (VCV003624432.2).

ClinVar aggregate classification (germline): Uncertain significance (1 of 4 stars; one submission).

gnomAD v4.1: 3 of 1,613,896 alleles (0.00019%); highest among the groups gnomAD compares: Non-Finnish European, 0.00017%; no homozygotes.

Submission:

Labcorp Genetics (formerly Invitae), Labcorp
Classification: Uncertain significance. Last evaluated: 2025-08-22. Review status: criteria provided, single submitter. Criteria: Invitae Variant Classification Sherloc (09022015). Collection method: clinical testing. Allele origin: germline.
Comment: This sequence change replaces alanine, which is neutral and non-polar, with valine, which is neutral and non-polar, at codon 179 of the FBXO11 protein (p.Ala179Val). This variant is not present in population databases (gnomAD no frequency). This variant has not been reported in the literature in individuals affected with FBXO11-related conditions. ClinVar contains an entry for this variant (Variation ID: 3624432). An algorithm developed to predict the effect of missense changes on protein structure and function (PolyPhen-2) suggests that this variant is likely to be tolerated. In summary, the available evidence is currently insufficient to determine the role of this variant in disease. Therefore, it has been classified as a Variant of Uncertain Significance.